The following is an entry in ClinVar:

ClinVar aggregate classification (germline): Likely pathogenic (1 of 4 stars; one submission).

Allele frequency attached by ClinVar (database versions not stated): gnomAD exomes below 0.00001.
gnomAD v4.1: 2 of 1,612,896 alleles (0.00012%); highest among the groups gnomAD compares: Admixed American, 0.0017%; no homozygotes.

Submission:

Labcorp Genetics (formerly Invitae), Labcorp
Classification: Likely pathogenic. Last evaluated: 2023-08-05. Review status: criteria provided, single submitter. Criteria: Invitae Variant Classification Sherloc (09022015). Collection method: clinical testing. Allele origin: germline.
Comment: Algorithms developed to predict the effect of sequence changes on RNA splicing suggest that this variant may disrupt the consensus splice site. ClinVar contains an entry for this variant (Variation ID: 1486777). This variant has not been reported in the literature in individuals affected with ERCC6-related conditions. This variant is present in population databases (no rsID available, gnomAD 0.003%). This sequence change affects an acceptor splice site in intron 2 of the ERCC6 gene. It is expected to disrupt RNA splicing. Variants that disrupt the donor or acceptor splice site typically lead to a loss of protein function (PMID: 16199547), and loss-of-function variants in ERCC6 are known to be pathogenic (PMID: 18628313, 29572252). In summary, the currently available evidence indicates that the variant is pathogenic, but additional data are needed to prove that conclusively. Therefore, this variant has been classified as Likely Pathogenic.

Literature cited by the submitters: PubMed 16199547; PubMed 18628313; PubMed 29572252.

NM_000124.4(ERCC6):c.423-1G>A

Gene: ERCC6 (ERCC excision repair 6, chromatin remodeling factor; minus strand). Cytogenetic location: 10q11.23.
Variant type: single nucleotide variant.
Coding change: c.423-1G>A on transcript NM_000124.4 (MANE Select); the canonical splice acceptor site of the intron before coding-DNA position 423, G replaced by A.
Molecular consequence: splice acceptor variant.
Genome position (GRCh38, 1-based): chr10:49,530,841, C>T on the plus strand (G>A on the coding strand, the complement: ERCC6 is on the minus strand). VCF-style: chr10-49530841-C-T. GRCh37 (hg19) VCF-style: chr10-50738887-C-T.
Other names: c.423-1G>A (NM_001346440.2, NM_001277059.2, NM_001277058.2).
Identifiers: ClinVar variation 1486777 (VCV001486777.6), dbSNP rs1364973121, ClinGen allele CA376710755.